The following is an entry in ClinVar:

NM_002878.4(RAD51D):c.21A>G (p.Gly7=)

Genes: RAD51D (RAD51 paralog D; minus strand), RAD51L3-RFFL (RAD51L3-RFFL readthrough; minus strand). Cytogenetic location: 17q12.
Variant type: single nucleotide variant.
Coding change: c.21A>G on transcript NM_002878.4 (MANE Select); coding-DNA position 21, A replaced by G.
Protein change: p.Gly7=; no amino-acid change (glycine 7 retained).
Molecular consequence: synonymous variant. On other transcripts: non-coding transcript variant (2).
Genome position (GRCh38, 1-based): chr17:35,119,593, T>C on the plus strand (A>G on the coding strand, the complement: RAD51D is on the minus strand). VCF-style: chr17-35119593-T-C. GRCh37 (hg19) VCF-style: chr17-33446612-T-C.
Other names: c.21A>G, p.Gly7= (NM_001142571.2, NM_133629.3).
Identifiers: ClinVar variation 2001559 (VCV002001559.6), dbSNP rs2142480858, ClinGen allele CA499732540.

ClinVar aggregate classification (germline): Benign/Likely benign. Review status: criteria provided, multiple submitters, no conflicts (2 of 4 stars). 3 submissions from 3 submitters: Benign (1); Likely benign (2). Last evaluated 2025-10-26.

Conditions:
Breast-ovarian cancer, familial, susceptibility to, 4. Identifiers: Orphanet 145, MedGen C3280345, MONDO:0013669, OMIM 614291.
Hereditary cancer-predisposing syndrome. Also called: Hereditary neoplastic syndrome; Hereditary Cancer Syndrome; Tumor predisposition; Neoplastic Syndromes, Hereditary. Identifiers: Orphanet 140162, MedGen C0027672, MeSH D009386, MONDO:0015356.

Submissions (3):

Ambry Genetics
Classification: Likely benign for Hereditary cancer-predisposing syndrome. Last evaluated: 2025-10-26. Review status: criteria provided, single submitter. Criteria: Ambry Variant Classification Scheme 2023. Collection method: clinical testing. Allele origin: germline.

Myriad Genetics, Inc.
Classification: Benign for Breast-ovarian cancer, familial, susceptibility to, 4. Last evaluated: 2025-02-20. Review status: criteria provided, single submitter. Criteria: Myriad Autosomal Dominant, Autosomal Recessive and X-Linked Classification Criteria (2023). Collection method: clinical testing. Allele origin: unknown.
Comment: This variant is considered benign. This variant is a silent/synonymous amino acid change and it is not expected to impact splicing.

Labcorp Genetics (formerly Invitae), Labcorp
Classification: Likely benign for Breast-ovarian cancer, familial, susceptibility to, 4. Last evaluated: 2022-05-31. Review status: criteria provided, single submitter. Criteria: Invitae Variant Classification Sherloc (09022015). Collection method: clinical testing. Allele origin: germline.